The following is an entry in ClinVar:

ClinVar aggregate classification (germline): Uncertain significance (1 of 4 stars; one submission).

Conditions:
Cardiovascular phenotype. Identifiers: MedGen CN230736.

gnomAD v4.1: 1 of 1,613,334 alleles (0.000062%); highest among the groups gnomAD compares: Non-Finnish European, 0.000085%; no homozygotes.

Submission:

Ambry Genetics
Classification: Uncertain significance for Cardiovascular phenotype. Last evaluated: 2026-08-08. Review status: criteria provided, single submitter. Criteria: Ambry Variant Classification Scheme 2023. Collection method: clinical testing. Allele origin: germline.
Comment: The p.P1989L variant (also known as c.5966C>T), located in coding exon 39 of the RYR2 gene, results from a C to T substitution at nucleotide position 5966. The proline at codon 1989 is replaced by leucine, an amino acid with similar properties. This amino acid position is conserved. In addition, the in silico prediction for this alteration is inconclusive. Based on the available evidence, the clinical significance of this variant remains unclear.

NM_001035.3(RYR2):c.5966C>T (p.Pro1989Leu)

Gene: RYR2 (ryanodine receptor 2; plus strand). Cytogenetic location: 1q43.
Variant type: single nucleotide variant.
Coding change: c.5966C>T on transcript NM_001035.3 (MANE Select); coding-DNA position 5966, C replaced by T.
Protein change: p.Pro1989Leu; replaces proline 1989 with leucine.
Molecular consequence: missense variant.
Genome position (GRCh38, 1-based): chr1:237,623,814, C>T. VCF-style: chr1-237623814-C-T. GRCh37 (hg19) VCF-style: chr1-237787114-C-T.
Other names: short protein forms P1989L.
Identifiers: ClinVar variation 5028660 (VCV005028660.1).
Genomic context (GRCh38, chr1:237,623,814, plus strand): 5'-CAAACTTTCAGATCAATATGCTTCTCAATTTTAAGGATGACAAAAGTGAATGTCCATGTC[C>T]AGAAGAAATTCGTGACCAACTATTGGATTTCCATGAAGATTTGATGACACATTGTGGTAA-3'
Protein context (NP_001026.2, residues 1979-1999): FKDDKSECPC[Pro1989Leu]EEIRDQLLDF